The following is an entry in ClinVar:

NC_000017.10:g.(?_63531734)_(63554738_?)del

Gene: AXIN2 (axin 2; minus strand). Cytogenetic location: 17q24.1.
Variant type: Deletion.
Identifiers: ClinVar variation 1459569 (VCV001459569.4).

ClinVar aggregate classification (germline): Pathogenic (1 of 4 stars; one submission).

Conditions:
Oligodontia-cancer predisposition syndrome. Also called: TOOTH AGENESIS-COLORECTAL CANCER SYNDROME. Identifiers: Orphanet 300576, MedGen C1837750, MONDO:0012075, OMIM 608615. Disease mechanism: loss of function.

Submission:

Labcorp Genetics (formerly Invitae), Labcorp
Classification: Pathogenic for Oligodontia-cancer predisposition syndrome. Last evaluated: 2020-12-21. Review status: criteria provided, single submitter. Criteria: Invitae Variant Classification Sherloc (09022015). Collection method: clinical testing. Allele origin: germline.
Comment: For these reasons, this variant has been classified as Pathogenic. This variant has not been reported in the literature in individuals with AXIN2-related conditions. This variant is a gross deletion of the genomic region encompassing exon(s) 2-9 of the AXIN2 gene, which includes the initiator codon. The 5' end of this event is unknown as it extends beyond the assayed region for this gene and therefore may encompass additional genes. The 3' boundary is likely confined to intron 9 of the AXIN2 gene. It is expected to result in an absent or disrupted protein product. Loss-of-function variants in AXIN2 are known to be pathogenic (PMID: 15042511, 21416598).

Literature cited by the submitters: PubMed 15042511; PubMed 21416598.